The following is an entry in ClinVar:

NM_000552.5(VWF):c.8176G>A (p.Asp2726Asn)

Gene: VWF (von Willebrand factor; minus strand). Cytogenetic location: 12p13.31.
Variant type: single nucleotide variant.
Coding change: c.8176G>A on transcript NM_000552.5 (MANE Select); coding-DNA position 8176, G replaced by A.
Protein change: p.Asp2726Asn; replaces aspartic acid 2726 with asparagine.
Molecular consequence: missense variant.
Genome position (GRCh38, 1-based): chr12:5,949,863, C>T on the plus strand (G>A on the coding strand, the complement: VWF is on the minus strand). VCF-style: chr12-5949863-C-T. GRCh37 (hg19) VCF-style: chr12-6059029-C-T.
Other names: short protein forms D2726N.
Identifiers: ClinVar variation 3572186 (VCV003572186.1).

ClinVar aggregate classification (germline): Uncertain significance (1 of 4 stars; one submission).

gnomAD v4.1: 12 of 1,613,790 alleles (0.00074%); highest among the groups gnomAD compares: South Asian, 0.0077%; 1 homozygote.

Submission:

Quest Diagnostics Nichols Institute San Juan Capistrano
Classification: Uncertain significance. Last evaluated: 2024-07-18. Review status: criteria provided, single submitter. Criteria: Quest Diagnostics criteria. Collection method: clinical testing. Allele origin: unknown.
Comment: The VWF c.8176G>A (p.Asp2726Asn) variant has not been reported in individuals with VWF-related conditions in the published literature. The frequency of this variant in the general population, 0.000011 (3/282544 chromosomes (Genome Aggregation Database)), is uninformative in the assessment of its pathogenicity. Analysis of this variant using bioinformatics tools for the prediction of the effect of amino acid changes on protein structure and function yielded predictions that this variant is benign. Based on the available information, we are unable to determine the clinical significance of this variant.